The following is an entry in ClinVar:

ClinVar aggregate classification (germline): Likely benign. Review status: criteria provided, multiple submitters, no conflicts (2 of 4 stars). 3 submissions from 3 submitters: Likely benign (3). Last evaluated 2026-06-06.

Conditions:
Cardiovascular phenotype. Identifiers: MedGen CN230736.
Hypertrophic cardiomyopathy. Also called: HYPERTROPHIC MYOCARDIOPATHY. Identifiers: Orphanet 217569, MedGen C0007194, MeSH D002312, MONDO:0005045, HP:0001639.

Allele frequency attached by ClinVar (database versions not stated): gnomAD exomes below 0.00001.
gnomAD v4.1: 2 of 1,611,022 alleles (0.00012%); highest among the groups gnomAD compares: Non-Finnish European, 0.00017%; no homozygotes.

Submissions (3):

Ambry Genetics
Classification: Likely benign for Cardiovascular phenotype. Last evaluated: 2026-06-06. Review status: criteria provided, single submitter. Criteria: Ambry Variant Classification Scheme 2023. Collection method: clinical testing. Allele origin: germline.

All of Us Research Program, National Institutes of Health
Classification: Likely benign for Hypertrophic cardiomyopathy. Last evaluated: 2023-05-04. Review status: criteria provided, single submitter. Criteria: ACMG Guidelines, 2015. Collection method: clinical testing. Allele origin: germline. Inheritance: Autosomal dominant inheritance. Observed: 1 variant allele, 1 heterozygote.
Comment: This study involves interpretation of variants in research participants for the purpose of population health screening. Participant phenotype was not available at the time of variant classification. Additional details can be found in publication PMID: 35346344, PMCID: PMC8962531

Labcorp Genetics (formerly Invitae), Labcorp
Classification: Likely benign for Hypertrophic cardiomyopathy. Last evaluated: 2021-06-15. Review status: criteria provided, single submitter. Criteria: Invitae Variant Classification Sherloc (09022015). Collection method: clinical testing. Allele origin: germline.

NM_000363.5(TNNI3):c.195G>A (p.Ala65=)

Gene: TNNI3 (troponin I3, cardiac type; minus strand). Cytogenetic location: 19q13.42.
Variant type: single nucleotide variant.
Coding change: c.195G>A on transcript NM_000363.5 (MANE Select); coding-DNA position 195, G replaced by A.
Protein change: p.Ala65=; no amino-acid change (alanine 65 retained).
Molecular consequence: synonymous variant.
Genome position (GRCh38, 1-based): chr19:55,156,288, C>T on the plus strand (G>A on the coding strand, the complement: TNNI3 is on the minus strand). VCF-style: chr19-55156288-C-T. GRCh37 (hg19) VCF-style: chr19-55667656-C-T.
Other names: c.195G>A (NM_000363.4).
Identifiers: ClinVar variation 1643098 (VCV001643098.10), dbSNP rs2147284967, ClinGen allele CA407441892.